The following is an entry in ClinVar:

NM_000135.4(FANCA):c.1899A>C (p.Glu633Asp)

Gene: FANCA (FA complementation group A; minus strand). Cytogenetic location: 16q24.3.
Variant type: single nucleotide variant.
Coding change: c.1899A>C on transcript NM_000135.4 (MANE Select); coding-DNA position 1899, A replaced by C.
Protein change: p.Glu633Asp; replaces glutamic acid 633 with aspartic acid.
Molecular consequence: missense variant.
Genome position (GRCh38, 1-based): chr16:89,775,743, T>G on the plus strand (A>C on the coding strand, the complement: FANCA is on the minus strand). VCF-style: chr16-89775743-T-G. GRCh37 (hg19) VCF-style: chr16-89842151-T-G.
Other names: c.1899A>C (LRG_495t1); c.1899A>C, p.Glu633Asp (NM_001286167.3); short protein forms E633D.
Identifiers: ClinVar variation 456089 (VCV000456089.13), dbSNP rs768520283, ClinGen allele CA8251984.

ClinVar aggregate classification (germline): Uncertain significance. Review status: criteria provided, multiple submitters, no conflicts (2 of 4 stars). 5 submissions from 5 submitters: Uncertain significance (4). 1 of the submissions does not count toward it. Last evaluated 2024-11-18.

Conditions:
Inborn genetic diseases. Identifiers: MedGen C0950123, MeSH D030342.
Fanconi anemia (FA). Also called: Fanconi's anemia. Identifiers: Orphanet 84, MedGen C0015625, MeSH D005199, MONDO:0019391.
Fanconi anemia complementation group A (FANCA). Also called: Fanconi anemia, group A; FANCA-Related Fanconi Anemia. Identifiers: Orphanet 84, MedGen C3469521, MONDO:0009215, OMIM 227650.

Allele frequency attached by ClinVar (database versions not stated): ExAC 0.00001; gnomAD exomes 0.00001; gnomAD 0.00003 and 0.00004; TOPMed 0.00004.
gnomAD v4.1: 6 of 1,611,102 alleles (0.00037%); highest among the groups gnomAD compares: African/African-American, 0.0067%; no homozygotes.

Submissions (5):

Ambry Genetics
Classification: Uncertain significance for Inborn genetic diseases. Last evaluated: 2024-11-18. Review status: criteria provided, single submitter. Criteria: Ambry Variant Classification Scheme 2023. Collection method: clinical testing. Allele origin: germline.
Comment: The p.E633D variant (also known as c.1899A>C), located in coding exon 21 of the FANCA gene, results from an A to C substitution at nucleotide position 1899. The glutamic acid at codon 633 is replaced by aspartic acid, an amino acid with highly similar properties. This amino acid position is conserved. In addition, this alteration is predicted to be tolerated by in silico analysis. Based on the available evidence, the clinical significance of this variant remains unclear.

Fulgent Genetics
Classification: Uncertain significance for Fanconi anemia complementation group A. Last evaluated: 2024-03-04. Review status: criteria provided, single submitter. Criteria: ACMG Guidelines, 2015. Collection method: clinical testing. Allele origin: germline.

St. Jude Molecular Pathology, St. Jude Children's Research Hospital
Classification: Uncertain significance for Fanconi anemia complementation group A. Last evaluated: 2023-12-14. Review status: criteria provided, single submitter. Criteria: St. Jude Assertion Criteria 2020. Collection method: clinical testing. Allele origin: germline.
Comment: The FANCA c.1899A>C (p.Glu633Asp) missense change has a maximum subpopulation frequency of 0.016% in gnomAD v2.1.1. The in silico tool REVEL predicts a benign effect on protein function, but to our knowledge this prediction has not been confirmed by functional studies. To our knowledge, this variant has not been reported in individuals with Fanconi anemia. In summary, the evidence currently available is insufficient to determine the clinical significance of this variant. It has therefore been classified as of uncertain significance.

Labcorp Genetics (formerly Invitae), Labcorp
Classification: Uncertain significance for Fanconi anemia. Last evaluated: 2022-10-25. Review status: criteria provided, single submitter. Criteria: Invitae Variant Classification Sherloc (09022015). Collection method: clinical testing. Allele origin: germline.
Comment: This sequence change replaces glutamic acid, which is acidic and polar, with aspartic acid, which is acidic and polar, at codon 633 of the FANCA protein (p.Glu633Asp). This variant is present in population databases (rs768520283, gnomAD 0.02%). This variant has not been reported in the literature in individuals affected with FANCA-related conditions. ClinVar contains an entry for this variant (Variation ID: 456089). Algorithms developed to predict the effect of missense changes on protein structure and function output the following: SIFT: "Tolerated"; PolyPhen-2: "Benign"; Align-GVGD: "Class C0". The aspartic acid amino acid residue is found in multiple mammalian species, which suggests that this missense change does not adversely affect protein function. In summary, the available evidence is currently insufficient to determine the role of this variant in disease. Therefore, it has been classified as a Variant of Uncertain Significance.

Natera, Inc.
Classification: Uncertain significance for Fanconi anemia. Last evaluated: 2019-10-28. Review status: no assertion criteria provided. Collection method: clinical testing. Allele origin: germline. Not counted in ClinVar's aggregate classification.